The following is an entry in ClinVar:

NM_007294.4(BRCA1):c.2264A>C (p.Glu755Ala)

Gene: BRCA1 (BRCA1 DNA repair associated; minus strand). Cytogenetic location: 17q21.31.
Variant type: single nucleotide variant.
Coding change: c.2264A>C on transcript NM_007294.4 (MANE Select); coding-DNA position 2264, A replaced by C.
Protein change: p.Glu755Ala; replaces glutamic acid 755 with alanine.
Molecular consequence: missense variant. On other transcripts: intron variant (137).
Genome position (GRCh38, 1-based): chr17:43,093,267, T>G on the plus strand (A>C on the coding strand, the complement: BRCA1 is on the minus strand). VCF-style: chr17-43093267-T-G. GRCh37 (hg19) VCF-style: chr17-41245284-T-G.
Other names: c.1931A>C, p.Glu644Ala (NM_001407957.1, NM_001407946.1, NM_001407947.1 and 6 more transcripts); c.1928A>C, p.Glu643Ala (NM_001407958.1, NM_001407954.1, NM_001407955.1 and 1 more transcripts); c.1883A>C, p.Glu628Ala (NM_001407959.1, NM_001407963.1, NM_001407960.1); c.2141A>C, p.Glu714Ala (NM_001407665.1, NM_001407666.1, NM_001407669.1 and 19 more transcripts); c.1880A>C, p.Glu627Ala (NM_001407962.1); c.2120A>C, p.Glu707Ala (NM_001407964.1, NM_001407740.1, NM_001407741.1 and 20 more transcripts); c.1376A>C, p.Glu459Ala (NM_001407966.1, NM_001407967.1); c.1760A>C, p.Glu587Ala (NM_001407965.1); and 41 more; short protein forms E755A, E708A, E587A, E643A, E729A, E752A, E627A, E628A.
Identifiers: ClinVar variation 619787 (VCV000619787.10), dbSNP rs922908090, ClinGen allele CA10597472.

ClinVar aggregate classification (germline): Conflicting classifications of pathogenicity. Review status: criteria provided, conflicting classifications (1 of 4 stars). 4 submissions from 4 submitters: Uncertain significance (3); Likely benign (1). Last evaluated 2023-03-23.

Conditions:
Hereditary cancer-predisposing syndrome. Also called: Tumor predisposition; Hereditary Cancer Syndrome; Neoplastic Syndromes, Hereditary; Hereditary neoplastic syndrome. Identifiers: Orphanet 140162, MedGen C0027672, MeSH D009386, MONDO:0015356.

Allele frequency attached by ClinVar (database versions not stated): gnomAD exomes below 0.00001.
gnomAD v4.1: 1 of 1,614,086 alleles (0.000062%); highest among the groups gnomAD compares: Admixed American, 0.0017%; no homozygotes.

Submissions (4):

University of Washington Department of Laboratory Medicine, University of Washington
Classification: Likely benign for Hereditary cancer-predisposing syndrome. Last evaluated: 2023-03-23. Review status: criteria provided, single submitter. Criteria: Dines et al. (Genet Med. 2020). Collection method: curation. Allele origin: germline.
Comment: Missense variant in a coldspot region where missense variants are very unlikely to be pathogenic (PMID:31911673).

BRCA1 coldspot (exon 11 using historical exon numbering). Reclassification based on statistical prior probability

Ambry Genetics
Classification: Uncertain significance for Hereditary cancer-predisposing syndrome. Last evaluated: 2020-12-18. Review status: criteria provided, single submitter. Criteria: Ambry Variant Classification Scheme 2023. Collection method: clinical testing. Allele origin: germline.
Comment: The p.E755A variant (also known as c.2264A>C), located in coding exon 9 of the BRCA1 gene, results from an A to C substitution at nucleotide position 2264. The glutamic acid at codon 755 is replaced by alanine, an amino acid with dissimilar properties. This amino acid position is not well conserved in available vertebrate species. In addition, the in silico prediction for this alteration is inconclusive. Since supporting evidence is limited at this time, the clinical significance of this alteration remains unclear.

Color Diagnostics, LLC DBA Color Health
Classification: Uncertain significance for Hereditary cancer-predisposing syndrome. Last evaluated: 2019-05-02. Review status: criteria provided, single submitter. Criteria: ACMG Guidelines, 2015. Collection method: clinical testing. Allele origin: germline.

Quest Diagnostics Nichols Institute San Juan Capistrano
Classification: Uncertain significance. Last evaluated: 2018-01-25. Review status: criteria provided, single submitter. Criteria: Quest Diagnostics criteria. Collection method: clinical testing. Allele origin: germline.